The following is an entry in ClinVar:

NM_015057.5(MYCBP2):c.556G>T (p.Glu186Ter)

Gene: MYCBP2 (MYC binding protein 2; minus strand). Cytogenetic location: 13q22.3.
Variant type: single nucleotide variant.
Coding change: c.556G>T on transcript NM_015057.5 (MANE Select); coding-DNA position 556, G replaced by T.
Protein change: p.Glu186Ter; replaces glutamic acid 186 with a stop codon.
Molecular consequence: nonsense.
Genome position (GRCh38, 1-based): chr13:77,288,199, C>A on the plus strand (G>T on the coding strand, the complement: MYCBP2 is on the minus strand). VCF-style: chr13-77288199-C-A. GRCh37 (hg19) VCF-style: chr13-77862334-C-A.
Other names: short protein forms E186*.
Identifiers: ClinVar variation 4056817 (VCV004056817.1).
Genomic context (GRCh38, chr13:77,288,199, plus strand): 5'-TTAATAGAACTCAGTGGCTTACCTTTGGAAGCTTGATAGGGGGCTCTTTGGATTCCTCTT[C>A]TTCATCACTATCTGATTCTCCACTCTGCACAGAGTTCTTAGATGCGGCTGCCAATGATAT-3'

ClinVar aggregate classification (germline): Pathogenic (1 of 4 stars; one submission).

Submission:

GeneDx
Classification: Pathogenic. Last evaluated: 2025-01-14. Review status: criteria provided, single submitter. Criteria: GeneDx Variant Classification Process June 2021. Collection method: clinical testing. Allele origin: germline. Affected: yes.
Comment: Nonsense variant predicted to result in protein truncation or nonsense mediated decay in a gene for which loss of function is a known mechanism of disease; Not observed at significant frequency in large population cohorts (gnomAD); Has not been previously published as pathogenic or benign to our knowledge